The following is an entry in ClinVar:

NM_005732.4(RAD50):c.3442C>T (p.Arg1148Cys)

Genes: RAD50 (RAD50 double strand break repair protein; plus strand), TH2-LCR (Th2 cytokine locus control region; plus strand), TH2LCRR (T helper type 2 locus control region associated RNA; minus strand). Cytogenetic location: 5q31.1.
Variant type: single nucleotide variant.
Coding change: c.3442C>T on transcript NM_005732.4 (MANE Select); coding-DNA position 3442, C replaced by T.
Protein change: p.Arg1148Cys; replaces arginine 1148 with cysteine.
Molecular consequence: missense variant.
Genome position (GRCh38, 1-based): chr5:132,637,167, C>T. VCF-style: chr5-132637167-C-T. GRCh37 (hg19) VCF-style: chr5-131972859-C-T.
Other names: short protein forms R1148C.
Identifiers: ClinVar variation 408374 (VCV000408374.16), dbSNP rs746841895, ClinGen allele CA3405575.

ClinVar aggregate classification (germline): Uncertain significance. Review status: criteria provided, multiple submitters, no conflicts (2 of 4 stars). 4 submissions from 4 submitters: Uncertain significance (4). Last evaluated 2024-09-16.

Conditions:
Hereditary cancer-predisposing syndrome. Also called: Neoplastic Syndromes, Hereditary; Tumor predisposition; Hereditary Cancer Syndrome; Hereditary neoplastic syndrome. Identifiers: Orphanet 140162, MedGen C0027672, MeSH D009386, MONDO:0015356.

Allele frequency attached by ClinVar (database versions not stated): TOPMed 0.00001.
gnomAD v4.1: 7 of 1,611,576 alleles (0.00043%); highest among the groups gnomAD compares: South Asian, 0.0011%; no homozygotes.

Submissions (4):

Blueprint Genetics
Classification: Uncertain significance. Last evaluated: 2024-09-16. Review status: criteria provided, single submitter. Criteria: ACMG Guidelines, 2015. Collection method: clinical testing. Allele origin: germline.

Labcorp Genetics (formerly Invitae), Labcorp
Classification: Uncertain significance for Hereditary cancer-predisposing syndrome. Last evaluated: 2024-07-08. Review status: criteria provided, single submitter. Criteria: Invitae Variant Classification Sherloc (09022015). Collection method: clinical testing. Allele origin: germline.
Comment: This sequence change replaces arginine, which is basic and polar, with cysteine, which is neutral and slightly polar, at codon 1148 of the RAD50 protein (p.Arg1148Cys). This variant is not present in population databases (gnomAD no frequency). This variant has not been reported in the literature in individuals affected with RAD50-related conditions. ClinVar contains an entry for this variant (Variation ID: 408374). Advanced modeling of protein sequence and biophysical properties (such as structural, functional, and spatial information, amino acid conservation, physicochemical variation, residue mobility, and thermodynamic stability) performed at Invitae indicates that this missense variant is expected to disrupt RAD50 protein function with a positive predictive value of 80%. In summary, the available evidence is currently insufficient to determine the role of this variant in disease. Therefore, it has been classified as a Variant of Uncertain Significance.

Ambry Genetics
Classification: Uncertain significance for Hereditary cancer-predisposing syndrome. Last evaluated: 2023-03-20. Review status: criteria provided, single submitter. Criteria: Ambry Variant Classification Scheme 2023. Collection method: clinical testing. Allele origin: germline.
Comment: The p.R1148C variant (also known as c.3442C>T), located in coding exon 22 of the RAD50 gene, results from a C to T substitution at nucleotide position 3442. The arginine at codon 1148 is replaced by cysteine, an amino acid with highly dissimilar properties. This amino acid position is highly conserved in available vertebrate species. In addition, this alteration is predicted to be deleterious by in silico analysis. Since supporting evidence is limited at this time, the clinical significance of this alteration remains unclear.

Institute for Clinical Genetics, University Hospital TU Dresden, University Hospital TU Dresden
Classification: Uncertain significance. Last evaluated: 2021-11-03. Review status: criteria provided, single submitter. Criteria: ACMG Guidelines, 2015. Collection method: clinical testing. Allele origin: germline.